The following is an entry in ClinVar:

NM_139321.3(ATRN):c.841G>A (p.Ala281Thr)

Gene: ATRN (attractin; plus strand). Cytogenetic location: 20p13.
Variant type: single nucleotide variant.
Coding change: c.841G>A on transcript NM_139321.3 (MANE Select); coding-DNA position 841, G replaced by A.
Protein change: p.Ala281Thr; replaces alanine 281 with threonine.
Molecular consequence: missense variant.
Genome position (GRCh38, 1-based): chr20:3,547,387, G>A. VCF-style: chr20-3547387-G-A. GRCh37 (hg19) VCF-style: chr20-3528034-G-A.
Other names: c.493G>A, p.Ala165Thr (NM_001207047.3); c.841G>A, p.Ala281Thr (NM_001323332.2, NM_139322.4); short protein forms A165T, A281T.
Identifiers: ClinVar variation 1488203 (VCV001488203.6), dbSNP rs2146201683, ClinGen allele CA408253293.

ClinVar aggregate classification (germline): Uncertain significance (1 of 4 stars; one submission).

gnomAD v4.1: 1 of 1,613,928 alleles (0.000062%); no homozygotes.

Submission:

Labcorp Genetics (formerly Invitae), Labcorp
Classification: Uncertain significance. Last evaluated: 2023-10-13. Review status: criteria provided, single submitter. Criteria: Invitae Variant Classification Sherloc (09022015). Collection method: clinical testing. Allele origin: germline.
Comment: This sequence change replaces alanine, which is neutral and non-polar, with threonine, which is neutral and polar, at codon 281 of the ATRN protein (p.Ala281Thr). This variant is not present in population databases (gnomAD no frequency). This variant has not been reported in the literature in individuals affected with ATRN-related conditions. ClinVar contains an entry for this variant (Variation ID: 1488203). An algorithm developed to predict the effect of missense changes on protein structure and function (PolyPhen-2) suggests that this variant is likely to be tolerated. In summary, the available evidence is currently insufficient to determine the role of this variant in disease. Therefore, it has been classified as a Variant of Uncertain Significance.